The following is an entry in ClinVar:

ClinVar aggregate classification (germline): Uncertain significance (1 of 4 stars; one submission).

Submission:

Labcorp Genetics (formerly Invitae), Labcorp
Classification: Uncertain significance. Last evaluated: 2021-10-27. Review status: criteria provided, single submitter. Criteria: Invitae Variant Classification Sherloc (09022015). Collection method: clinical testing. Allele origin: germline.
Comment: In summary, the available evidence is currently insufficient to determine the role of this variant in disease. Therefore, it has been classified as a Variant of Uncertain Significance. Algorithms developed to predict the effect of missense changes on protein structure and function are either unavailable or do not agree on the potential impact of this missense change (SIFT: "Tolerated"; PolyPhen-2: "Possibly Damaging"; Align-GVGD: "Class C0"). This variant has not been reported in the literature in individuals affected with EYS-related conditions. This variant is not present in population databases (gnomAD no frequency). This sequence change replaces tyrosine, a(n) neutral and polar amino acid, with histidine, a(n) basic and polar amino acid, at codon 2558 of the EYS protein (p.Tyr2558His).

NM_001142800.2(EYS):c.7672T>C (p.Tyr2558His)

Gene: EYS (EGF-like photoreceptor maintenance factor; minus strand). Cytogenetic location: 6q12.
Variant type: single nucleotide variant.
Coding change: c.7672T>C on transcript NM_001142800.2 (MANE Select); coding-DNA position 7672, T replaced by C.
Protein change: p.Tyr2558His; replaces tyrosine 2558 with histidine.
Molecular consequence: missense variant.
Genome position (GRCh38, 1-based): chr6:63,788,156, A>G on the plus strand (T>C on the coding strand, the complement: EYS is on the minus strand). VCF-style: chr6-63788156-A-G. GRCh37 (hg19) VCF-style: chr6-64498049-A-G.
Other names: c.7672T>C, p.Tyr2558His (NM_001292009.2); short protein forms Y2558H.
Identifiers: ClinVar variation 1403942 (VCV001403942.6), dbSNP rs2149670342, ClinGen allele CA364384948.